The following is an entry in ClinVar:

NM_001364905.1(LRBA):c.4713G>A (p.Glu1571=)

Gene: LRBA (LPS responsive beige-like anchor protein; minus strand). Cytogenetic location: 4q31.3.
Variant type: single nucleotide variant.
Coding change: c.4713G>A on transcript NM_001364905.1 (MANE Select); coding-DNA position 4713, G replaced by A.
Protein change: p.Glu1571=; no amino-acid change (glutamic acid 1571 retained).
Molecular consequence: synonymous variant.
Genome position (GRCh38, 1-based): chr4:150,831,833, C>T on the plus strand (G>A on the coding strand, the complement: LRBA is on the minus strand). VCF-style: chr4-150831833-C-T. GRCh37 (hg19) VCF-style: chr4-151752985-C-T.
Other names: p.Glu1571=; c.4713G>A, p.Glu1571= (NM_001199282.3, NM_001367550.1, NM_006726.5).
Identifiers: ClinVar variation 540414 (VCV000540414.17), dbSNP rs75761402, ClinGen allele CA3102678.

ClinVar aggregate classification (germline): Benign/Likely benign. Review status: criteria provided, multiple submitters, no conflicts (2 of 4 stars). 5 submissions from 5 submitters: Benign (3); Likely benign (1). 1 of the submissions does not count toward it. Last evaluated 2026-02-01.

Conditions:
LRBA-related disorder. Also called: LRBA-related condition.
Combined immunodeficiency due to LRBA deficiency. Also called: Common variable immunodeficiency 8, with autoimmunity. Identifiers: Orphanet 445018, MedGen C3553512, MONDO:0013863, OMIM 614700.

Allele frequency attached by ClinVar (database versions not stated): gnomAD exomes 0.00040 and 0.00110; ExAC 0.00141; gnomAD 0.00464 and 0.00493; ESP Exome Variant Server 0.00507; TOPMed 0.00549; 1000 Genomes Project 0.00599; 1000 Genomes Project 30x 0.00640.
gnomAD v4.1: 1,305 of 1,596,616 alleles (0.082%); highest among the groups gnomAD compares: African/African-American, 1.6%; 9 homozygotes.

Submissions (5):

Labcorp Genetics (formerly Invitae), Labcorp
Classification: Benign for Combined immunodeficiency due to LRBA deficiency. Last evaluated: 2026-02-01. Review status: criteria provided, single submitter. Criteria: Invitae Variant Classification Sherloc (09022015). Collection method: clinical testing. Allele origin: germline.

Mayo Clinic Laboratories, Mayo Clinic
Classification: Benign. Last evaluated: 2025-10-23. Review status: criteria provided, single submitter. Criteria: ACMG Guidelines, 2015. Collection method: clinical testing. Allele origin: germline. Observed: 4 variant alleles.
Comment: BS1, BS2, BP4, BP7

Blueprint Genetics
Classification: Likely benign. Last evaluated: 2024-11-12. Review status: criteria provided, single submitter. Criteria: ACMG Guidelines, 2015. Collection method: clinical testing. Allele origin: germline.

Breakthrough Genomics
Classification: Benign. Review status: criteria provided, single submitter. Criteria: ACMG Guidelines, 2015. Collection method: not provided. Allele origin: germline. Inheritance: Autosomal recessive inheritance. Affected: yes.

PreventionGenetics, part of Exact Sciences
Classification: Benign for LRBA-related condition. Last evaluated: 2019-06-17. Review status: no assertion criteria provided. Collection method: clinical testing. Allele origin: germline. Not counted in ClinVar's aggregate classification.
Comment: This variant is classified as benign based on ACMG/AMP sequence variant interpretation guidelines (Richards et al. 2015 PMID: 25741868, with internal and published modifications).